The following is an entry in ClinVar:

ClinVar aggregate classification (germline): Uncertain significance (1 of 4 stars; one submission).

Conditions:
Familial thoracic aortic aneurysm and aortic dissection (TAAD). Also called: Thoracic aortic aneurysms and dissections. Identifiers: Orphanet 91387, MedGen C4707243, MONDO:0019625.

Allele frequency attached by ClinVar (database versions not stated): gnomAD exomes below 0.00001.
gnomAD v4.1: 1 of 1,614,210 alleles (0.000062%); highest among the groups gnomAD compares: Non-Finnish European, 0.000085%; no homozygotes.

Submission:

Labcorp Genetics (formerly Invitae), Labcorp
Classification: Uncertain significance for Familial thoracic aortic aneurysm and aortic dissection. Last evaluated: 2023-10-06. Review status: criteria provided, single submitter. Criteria: Invitae Variant Classification Sherloc (09022015). Collection method: clinical testing. Allele origin: germline.
Comment: This sequence change replaces isoleucine, which is neutral and non-polar, with threonine, which is neutral and polar, at codon 164 of the TGFBR2 protein (p.Ile164Thr). This variant is not present in population databases (gnomAD no frequency). This variant has not been reported in the literature in individuals affected with TGFBR2-related conditions. Advanced modeling of protein sequence and biophysical properties (such as structural, functional, and spatial information, amino acid conservation, physicochemical variation, residue mobility, and thermodynamic stability) has been performed at Invitae for this missense variant, however the output from this modeling did not meet the statistical confidence thresholds required to predict the impact of this variant on TGFBR2 protein function. In summary, the available evidence is currently insufficient to determine the role of this variant in disease. Therefore, it has been classified as a Variant of Uncertain Significance.

NM_003242.6(TGFBR2):c.491T>C (p.Ile164Thr)

Gene: TGFBR2 (transforming growth factor beta receptor 2; plus strand). Cytogenetic location: 3p24.1.
Variant type: single nucleotide variant.
Coding change: c.491T>C on transcript NM_003242.6 (MANE Select); coding-DNA position 491, T replaced by C.
Protein change: p.Ile164Thr; replaces isoleucine 164 with threonine.
Molecular consequence: missense variant. On other transcripts: intron variant (1).
Genome position (GRCh38, 1-based): chr3:30,671,674, T>C. VCF-style: chr3-30671674-T-C. GRCh37 (hg19) VCF-style: chr3-30713166-T-C.
Other names: c.566T>C, p.Ile189Thr (NM_001024847.3); c.674T>C, p.Ile225Thr (NM_001407126.1); c.599T>C, p.Ile200Thr (NM_001407127.1); c.518T>C, p.Ile173Thr (NM_001407128.1); c.494T>C, p.Ile165Thr (NM_001407129.1); c.491T>C, p.Ile164Thr (NM_001407130.1); c.386T>C, p.Ile129Thr (NM_001407132.1, NM_001407133.1, NM_001407134.1 and 2 more transcripts); c.206T>C, p.Ile69Thr (NM_001407137.1); and 2 more; short protein forms I164T, I200T, I225T, I69T, I129T, I173T, I189T, I44T.
Identifiers: ClinVar variation 2998353 (VCV002998353.3), dbSNP rs2470559449, ClinGen allele CA351807228.